The following is an entry in ClinVar:

NM_025081.3(NYNRIN):c.3918G>A (p.Thr1306=)

Gene: NYNRIN (NYN domain and retroviral integrase containing; plus strand). Cytogenetic location: 14q12.
Variant type: single nucleotide variant.
Coding change: c.3918G>A on transcript NM_025081.3 (MANE Select); coding-DNA position 3918, G replaced by A.
Protein change: p.Thr1306=; no amino-acid change (threonine 1306 retained).
Molecular consequence: synonymous variant.
Genome position (GRCh38, 1-based): chr14:24,415,667, G>A. VCF-style: chr14-24415667-G-A. GRCh37 (hg19) VCF-style: chr14-24884873-G-A.
Identifiers: ClinVar variation 2993669 (VCV002993669.3), dbSNP rs775857459, ClinGen allele CA7137337.

ClinVar aggregate classification (germline): Uncertain significance (1 of 4 stars; one submission).

Allele frequency attached by ClinVar (database versions not stated): TOPMed below 0.00001; ExAC 0.00001; gnomAD 0.00001.
gnomAD v4.1: 14 of 1,613,890 alleles (0.00087%); highest among the groups gnomAD compares: African/African-American, 0.0027%; no homozygotes.

Submission:

Labcorp Genetics (formerly Invitae), Labcorp
Classification: Uncertain significance. Last evaluated: 2023-12-08. Review status: criteria provided, single submitter. Criteria: Invitae Variant Classification Sherloc (09022015). Collection method: clinical testing. Allele origin: germline.
Comment: This sequence change affects codon 1306 of the NYNRIN mRNA. It is a 'silent' change, meaning that it does not change the encoded amino acid sequence of the NYNRIN protein. This variant is present in population databases (rs775857459, gnomAD 0.003%). This variant has not been reported in the literature in individuals affected with NYNRIN-related conditions. Experimental studies and prediction algorithms are not available or were not evaluated, and the effect of this variant on mRNA splicing is currently unknown. In summary, the available evidence is currently insufficient to determine the role of this variant in disease. Therefore, it has been classified as a Variant of Uncertain Significance.